The following is an entry in ClinVar:

NM_001278116.2(L1CAM):c.3530+8G>A

Gene: L1CAM (L1 cell adhesion molecule; minus strand). Cytogenetic location: Xq28.
Variant type: single nucleotide variant.
Coding change: c.3530+8G>A on transcript NM_001278116.2 (MANE Select); 8 bases into the intron after coding-DNA position 3530, G replaced by A.
Molecular consequence: intron variant.
Genome position (GRCh38, 1-based): chrX:153,863,469, C>T on the plus strand (G>A on the coding strand, the complement: L1CAM is on the minus strand). VCF-style: chrX-153863469-C-T. GRCh37 (hg19) VCF-style: chrX-153128924-C-T.
Other names: c.3515+8G>A (NM_001143963.2); c.3530+8G>A (NM_024003.3, NM_000425.5).
Identifiers: ClinVar variation 695185 (VCV000695185.24), dbSNP rs200870843, ClinGen allele CA10553936.

ClinVar aggregate classification (germline): Benign/Likely benign. Review status: criteria provided, multiple submitters, no conflicts (2 of 4 stars). 2 submissions from 2 submitters: Benign (1); Likely benign (1). Last evaluated 2026-09-01.

Conditions:
Spastic paraplegia. Identifiers: MedGen C0037772, HP:0001258.

Allele frequency attached by ClinVar (database versions not stated): ESP Exome Variant Server 0.00076; TOPMed 0.00090; gnomAD 0.00091 and 0.00095; 1000 Genomes Project 0.00106; 1000 Genomes Project 30x 0.00125.
gnomAD v4.1: 206 of 1,209,081 alleles (0.017%); highest among the groups gnomAD compares: African/African-American, 0.29%; no homozygotes.

Submissions (2):

CeGaT Center for Human Genetics Tuebingen
Classification: Likely benign. Last evaluated: 2026-09-01. Review status: criteria provided, single submitter. Criteria: CeGaT Center For Human Genetics Tuebingen Variant Classification Criteria Version 2. Collection method: clinical testing. Allele origin: germline. Affected: yes. Observed: 2 variant alleles.
Comment: L1CAM: BP4, BS2

Labcorp Genetics (formerly Invitae), Labcorp
Classification: Benign for Spastic paraplegia. Last evaluated: 2026-01-20. Review status: criteria provided, single submitter. Criteria: Invitae Variant Classification Sherloc (09022015). Collection method: clinical testing. Allele origin: germline.